The following is an entry in ClinVar:

ClinVar aggregate classification (germline): Uncertain significance (1 of 4 stars; one submission).

Submission:

GeneDx
Classification: Uncertain significance. Last evaluated: 2025-10-15. Review status: criteria provided, single submitter. Criteria: GeneDx Variant Classification Process June 2021. Collection method: clinical testing. Allele origin: germline.
Comment: Not observed at significant frequency in large population cohorts (gnomAD); In silico analysis supports that this missense variant has a deleterious effect on protein structure/function; Has not been previously published as pathogenic or benign to our knowledge

NM_020987.5(ANK3):c.1099T>C (p.Tyr367His)

Gene: ANK3 (ankyrin 3; minus strand). Cytogenetic location: 10q21.2.
Variant type: single nucleotide variant.
Coding change: c.1099T>C on transcript NM_020987.5 (MANE Select); coding-DNA position 1099, T replaced by C.
Protein change: p.Tyr367His; replaces tyrosine 367 with histidine.
Molecular consequence: missense variant.
Genome position (GRCh38, 1-based): chr10:60,208,131, A>G on the plus strand (T>C on the coding strand, the complement: ANK3 is on the minus strand). VCF-style: chr10-60208131-A-G. GRCh37 (hg19) VCF-style: chr10-61967889-A-G.
Other names: c.1081T>C, p.Tyr361His (NM_001204403.2); c.1048T>C, p.Tyr350His (NM_001204404.2); c.1099T>C, p.Tyr367His (NM_001320874.2); short protein forms Y350H, Y361H, Y367H.
Identifiers: ClinVar variation 3343316 (VCV003343316.2).
Genomic context (GRCh38, chr10:60,208,131, plus strand): 5'-AGAGAACCTTGGCAACTTTGTAATGGCCACAGTGGGCAGCCACGTGTAGGGCAGTCAGGT[A>G]GTCATTGGTGACATCATCCACGGGTACATTATGCTGGAGGAGAAGCTGGACGCAGTTTAA-3'
Protein context (NP_066267.2, residues 357-377): NVPVDDVTND[Tyr367His]LTALHVAAHC